The following is an entry in ClinVar:

NM_000088.4(COL1A1):c.2343+6G>A

Gene: COL1A1 (collagen type I alpha 1 chain; minus strand). Cytogenetic location: 17q21.33.
Variant type: single nucleotide variant.
Coding change: c.2343+6G>A on transcript NM_000088.4 (MANE Select); 6 bases into the intron after coding-DNA position 2343, G replaced by A.
Molecular consequence: intron variant.
Genome position (GRCh38, 1-based): chr17:50,190,811, C>T on the plus strand (G>A on the coding strand, the complement: COL1A1 is on the minus strand). VCF-style: chr17-50190811-C-T. GRCh37 (hg19) VCF-style: chr17-48268172-C-T.
Identifiers: ClinVar variation 3713214 (VCV003713214.2).

ClinVar aggregate classification (germline): Uncertain significance (1 of 4 stars; one submission).

Conditions:
Osteogenesis imperfecta type I (OI1). Also called: OI, TYPE I; OSTEOGENESIS IMPERFECTA TARDA; OSTEOGENESIS IMPERFECTA WITH BLUE SCLERAE; Osteogenesis imperfecta type 1; Lobstein's Disease; Lobstein disease. Identifiers: Orphanet 216796, Orphanet 666, MedGen C0023931, MONDO:0008146, OMIM 166200. Disease mechanism: loss of function.

gnomAD v4.1: 1 of 1,609,874 alleles (0.000062%); highest among the groups gnomAD compares: Non-Finnish European, 0.000085%; no homozygotes.

Submission:

Labcorp Genetics (formerly Invitae), Labcorp
Classification: Uncertain significance for Osteogenesis imperfecta type I. Last evaluated: 2025-05-30. Review status: criteria provided, single submitter. Criteria: Invitae Variant Classification Sherloc (09022015). Collection method: clinical testing. Allele origin: germline.
Comment: This sequence change falls in intron 33 of the COL1A1 gene. It does not directly change the encoded amino acid sequence of the COL1A1 protein. It affects a nucleotide within the consensus splice site. This variant is present in population databases (rs754406730, gnomAD 0.0009%). This variant has not been reported in the literature in individuals affected with COL1A1-related conditions. ClinVar contains an entry for this variant (Variation ID: 3713214). Variants that disrupt the consensus splice site are a relatively common cause of aberrant splicing (PMID: 17576681, 9536098). Algorithms developed to predict the effect of sequence changes on RNA splicing suggest that this variant is not likely to affect RNA splicing. In summary, the available evidence is currently insufficient to determine the role of this variant in disease. Therefore, it has been classified as a Variant of Uncertain Significance.

Literature cited by the submitters: PubMed 17576681; PubMed 9536098.